The following is an entry in ClinVar:

ClinVar aggregate classification (germline): Uncertain significance (1 of 4 stars; one submission).

Conditions:
FG syndrome (FGS). Identifiers: MedGen C0220769, MONDO:0002010.

Allele frequency attached by ClinVar (database versions not stated): gnomAD exomes below 0.00001; TOPMed below 0.00001.
gnomAD v4.1: 1 of 1,211,621 alleles (0.000083%); highest among the groups gnomAD compares: African/African-American, 0.0017%; no homozygotes.

Submission:

Labcorp Genetics (formerly Invitae), Labcorp
Classification: Uncertain significance for FG syndrome. Last evaluated: 2020-01-01. Review status: criteria provided, single submitter. Criteria: Invitae Variant Classification Sherloc (09022015). Collection method: clinical testing. Allele origin: germline.
Comment: In summary, the available evidence is currently insufficient to determine the role of this variant in disease. Therefore, it has been classified as a Variant of Uncertain Significance. Algorithms developed to predict the effect of missense changes on protein structure and function are either unavailable or do not agree on the potential impact of this missense change (SIFT: "Deleterious"; PolyPhen-2: "Benign"; Align-GVGD: "Class C0"). This variant has not been reported in the literature in individuals with MED12-related conditions. This variant is not present in population databases (ExAC no frequency). This sequence change replaces alanine with valine at codon 322 of the MED12 protein (p.Ala322Val). The alanine residue is highly conserved and there is a small physicochemical difference between alanine and valine.

NM_005120.3(MED12):c.965C>T (p.Ala322Val)

Gene: MED12 (mediator complex subunit 12; plus strand). Cytogenetic location: Xq13.1.
Variant type: single nucleotide variant.
Coding change: c.965C>T on transcript NM_005120.3 (MANE Select); coding-DNA position 965, C replaced by T.
Protein change: p.Ala322Val; replaces alanine 322 with valine.
Molecular consequence: missense variant.
Genome position (GRCh38, 1-based): chrX:71,121,680, C>T. VCF-style: chrX-71121680-C-T. GRCh37 (hg19) VCF-style: chrX-70341530-C-T.
Other names: short protein forms A322V.
Identifiers: ClinVar variation 1003787 (VCV001003787.9), dbSNP rs2092289745, ClinGen allele CA413504797.